The following is an entry in ClinVar:

ClinVar aggregate classification (germline): Pathogenic (1 of 4 stars; one submission).

gnomAD v4.1: 1 of 1,614,088 alleles (0.000062%); no homozygotes.

Submission:

GeneDx
Classification: Pathogenic. Last evaluated: 2022-09-14. Review status: criteria provided, single submitter. Criteria: GeneDx Variant Classification Process June 2021. Collection method: clinical testing. Allele origin: germline. Affected: yes.
Comment: Nonsense variant predicted to result in protein truncation or nonsense mediated decay in a gene for which loss of function is a known mechanism of disease; Not observed at significant frequency in large population cohorts (gnomAD); Has not been previously published as pathogenic or benign to our knowledge

NM_000094.4(COL7A1):c.5585C>G (p.Ser1862Ter)

Gene: COL7A1 (collagen type VII alpha 1 chain; minus strand). Cytogenetic location: 3p21.31.
Variant type: single nucleotide variant.
Coding change: c.5585C>G on transcript NM_000094.4 (MANE Select); coding-DNA position 5585, C replaced by G.
Protein change: p.Ser1862Ter; replaces serine 1862 with a stop codon.
Molecular consequence: nonsense.
Genome position (GRCh38, 1-based): chr3:48,576,903, G>C on the plus strand (C>G on the coding strand, the complement: COL7A1 is on the minus strand). VCF-style: chr3-48576903-G-C. GRCh37 (hg19) VCF-style: chr3-48614336-G-C.
Other names: short protein forms S1862*.
Identifiers: ClinVar variation 620163 (VCV000620163.3), dbSNP rs1013627013, ClinGen allele CA352670262.
Genomic context (GRCh38, chr3:48,576,903, plus strand): 5'-AGGGTCAGGGGTCAGAGGTTGCAGAAAACTCCAATACTCACTTCTCTCCCAGAGGCGCCT[G>C]AATCTCCTTTCTCTCCCTAAGGAAGACAAGGATGCTTCAGGCATGGCTCCAAGCAGAGAC-3'